The following is an entry in ClinVar:

ClinVar aggregate classification (germline): Uncertain significance (1 of 4 stars; one submission).

Conditions:
Duchenne muscular dystrophy (DMD). Also called: Duchenne Muscular Dystrophy (DMD); MUSCULAR DYSTROPHY, PSEUDOHYPERTROPHIC PROGRESSIVE, DUCHENNE TYPE. Identifiers: Orphanet 98896, MedGen C0013264, MONDO:0010679, OMIM 310200.

Submission:

Labcorp Genetics (formerly Invitae), Labcorp
Classification: Uncertain significance for Duchenne muscular dystrophy. Last evaluated: 2021-08-23. Review status: criteria provided, single submitter. Criteria: Invitae Variant Classification Sherloc (09022015). Collection method: clinical testing. Allele origin: germline.
Comment: This sequence change falls in intron 11 of the DMD gene. It does not directly change the encoded amino acid sequence of the DMD protein. It affects a nucleotide within the consensus splice site of the intron. This variant has not been reported in the literature in individuals with DMD-related conditions. Nucleotide substitutions within the consensus splice site are a relatively common cause of aberrant splicing (PMID: 17576681, 9536098). In summary, the available evidence is currently insufficient to determine the role of this variant in disease. Therefore, it has been classified as a Variant of Uncertain Significance.

Literature cited by the submitters: PubMed 17576681; PubMed 9536098.

NC_000023.10:g.(?_32644118)_(32662245_?)del

Gene: DMD (dystrophin; minus strand). Cytogenetic location: Xp21.1.
Variant type: Deletion.
Identifiers: ClinVar variation 1512353 (VCV001512353.5).